The following is an entry in ClinVar:

NM_006506.5(RASA2):c.2530A>G (p.Ile844Val)

Gene: RASA2 (RAS p21 protein activator 2; plus strand). Cytogenetic location: 3q23.
Variant type: single nucleotide variant.
Coding change: c.2530A>G on transcript NM_006506.5 (MANE Select); coding-DNA position 2530, A replaced by G.
Protein change: p.Ile844Val; replaces isoleucine 844 with valine.
Molecular consequence: missense variant.
Genome position (GRCh38, 1-based): chr3:141,612,293, A>G. VCF-style: chr3-141612293-A-G. GRCh37 (hg19) VCF-style: chr3-141331135-A-G.
Other names: c.2530A>G (NM_006506.2); c.2542A>G, p.Ile848Val (NM_001303246.3); c.2533A>G, p.Ile845Val (NM_001303245.3); short protein forms I844V, I845V, I848V.
Identifiers: ClinVar variation 2908725 (VCV002908725.3), dbSNP rs767988939, ClinGen allele CA2645871.

ClinVar aggregate classification (germline): Uncertain significance. Review status: criteria provided, multiple submitters, no conflicts (2 of 4 stars). 2 submissions from 2 submitters: Uncertain significance (2). Last evaluated 2025-08-21.

Allele frequency attached by ClinVar (database versions not stated): gnomAD 0.00006; ExAC 0.00001; gnomAD exomes 0.00002; TOPMed 0.00005.
gnomAD v4.1: 36 of 1,588,712 alleles (0.0023%); highest among the groups gnomAD compares: African/African-American, 0.0041%; no homozygotes.

Submissions (2):

Ambry Genetics
Classification: Uncertain significance. Last evaluated: 2025-08-21. Review status: criteria provided, single submitter. Criteria: Ambry Variant Classification Scheme 2023. Collection method: clinical testing. Allele origin: germline.

Labcorp Genetics (formerly Invitae), Labcorp
Classification: Uncertain significance. Last evaluated: 2025-08-01. Review status: criteria provided, single submitter. Criteria: Invitae Variant Classification Sherloc (09022015). Collection method: clinical testing. Allele origin: germline.
Comment: This sequence change replaces isoleucine, which is neutral and non-polar, with valine, which is neutral and non-polar, at codon 844 of the RASA2 protein (p.Ile844Val). The frequency data for this variant in the population databases is considered unreliable, as metrics indicate poor data quality at this position in the gnomAD database. This variant has not been reported in the literature in individuals affected with RASA2-related conditions. ClinVar contains an entry for this variant (Variation ID: 2908725). An algorithm developed to predict the effect of missense changes on protein structure and function (PolyPhen-2) suggests that this variant is likely to be disruptive. In summary, the available evidence is currently insufficient to determine the role of this variant in disease. Therefore, it has been classified as a Variant of Uncertain Significance.